The following is an entry in ClinVar:

ClinVar aggregate classification (germline): Uncertain significance (1 of 4 stars; one submission).

Conditions:
LAMA2-related muscular dystrophy (LAMA2-RD). Also called: Laminin alpha 2-related dystrophy. Identifiers: MedGen C5679788, MONDO:0100228.

Allele frequency attached by ClinVar (database versions not stated): gnomAD 0.00001; TOPMed 0.00001.
gnomAD v4.1: 7 of 1,613,210 alleles (0.00043%); highest among the groups gnomAD compares: Admixed American, 0.01%; no homozygotes.

Submission:

Labcorp Genetics (formerly Invitae), Labcorp
Classification: Uncertain significance for LAMA2-related muscular dystrophy. Last evaluated: 2022-10-17. Review status: criteria provided, single submitter. Criteria: Invitae Variant Classification Sherloc (09022015). Collection method: clinical testing. Allele origin: germline.
Comment: This sequence change replaces proline, which is neutral and non-polar, with leucine, which is neutral and non-polar, at codon 1511 of the LAMA2 protein (p.Pro1511Leu). This variant is present in population databases (no rsID available, gnomAD 0.006%). This variant has not been reported in the literature in individuals affected with LAMA2-related conditions. ClinVar contains an entry for this variant (Variation ID: 1003337). Advanced modeling of protein sequence and biophysical properties (such as structural, functional, and spatial information, amino acid conservation, physicochemical variation, residue mobility, and thermodynamic stability) performed at Invitae indicates that this missense variant is not expected to disrupt LAMA2 protein function. In summary, the available evidence is currently insufficient to determine the role of this variant in disease. Therefore, it has been classified as a Variant of Uncertain Significance.

NM_000426.4(LAMA2):c.4532C>T (p.Pro1511Leu)

Gene: LAMA2 (laminin subunit alpha 2; plus strand). Cytogenetic location: 6q22.33.
Variant type: single nucleotide variant.
Coding change: c.4532C>T on transcript NM_000426.4 (MANE Select); coding-DNA position 4532, C replaced by T.
Protein change: p.Pro1511Leu; replaces proline 1511 with leucine.
Molecular consequence: missense variant.
Genome position (GRCh38, 1-based): chr6:129,353,172, C>T. VCF-style: chr6-129353172-C-T. GRCh37 (hg19) VCF-style: chr6-129674317-C-T.
Other names: c.4532C>T, p.Pro1511Leu (NM_001079823.2); short protein forms P1511L.
Identifiers: ClinVar variation 1003337 (VCV001003337.4), dbSNP rs770886363, ClinGen allele CA365618443.